The following is an entry in ClinVar:

NM_004807.3(HS6ST1):c.1099C>T (p.Arg367Cys)

Gene: HS6ST1 (heparan sulfate 6-O-sulfotransferase 1; minus strand). Cytogenetic location: 2q14.3.
Variant type: single nucleotide variant.
Coding change: c.1099C>T on transcript NM_004807.3 (MANE Select); coding-DNA position 1099, C replaced by T.
Protein change: p.Arg367Cys; replaces arginine 367 with cysteine.
Molecular consequence: missense variant.
Genome position (GRCh38, 1-based): chr2:128,268,299, G>A on the plus strand (C>T on the coding strand, the complement: HS6ST1 is on the minus strand). VCF-style: chr2-128268299-G-A. GRCh37 (hg19) VCF-style: chr2-129025873-G-A.
Other names: c.1099C>T (NM_004807.2); short protein forms R367C.
Identifiers: ClinVar variation 3020504 (VCV003020504.4), dbSNP rs369568256, ClinGen allele CA1867480.

ClinVar aggregate classification (germline): Uncertain significance. Review status: criteria provided, multiple submitters, no conflicts (2 of 4 stars). 2 submissions from 2 submitters: Uncertain significance (2). Last evaluated 2024-01-24.

Allele frequency attached by ClinVar (database versions not stated): gnomAD 0.00001; gnomAD exomes 0.00001; TOPMed 0.00001; ExAC 0.00002; ESP Exome Variant Server 0.00008.
gnomAD v4.1: 13 of 1,612,878 alleles (0.00081%); highest among the groups gnomAD compares: Middle Eastern, 0.017%; no homozygotes.

Submissions (2):

Ambry Genetics
Classification: Uncertain significance. Last evaluated: 2024-01-24. Review status: criteria provided, single submitter. Criteria: Ambry Variant Classification Scheme 2023. Collection method: clinical testing. Allele origin: germline.

Labcorp Genetics (formerly Invitae), Labcorp
Classification: Uncertain significance. Last evaluated: 2023-11-17. Review status: criteria provided, single submitter. Criteria: Invitae Variant Classification Sherloc (09022015). Collection method: clinical testing. Allele origin: germline.
Comment: This sequence change replaces arginine, which is basic and polar, with cysteine, which is neutral and slightly polar, at codon 367 of the HS6ST1 protein (p.Arg367Cys). This variant is present in population databases (rs369568256, gnomAD 0.01%). This variant has not been reported in the literature in individuals affected with HS6ST1-related conditions. Advanced modeling of protein sequence and biophysical properties (such as structural, functional, and spatial information, amino acid conservation, physicochemical variation, residue mobility, and thermodynamic stability) performed at Invitae indicates that this missense variant is not expected to disrupt HS6ST1 protein function with a negative predictive value of 80%. In summary, the available evidence is currently insufficient to determine the role of this variant in disease. Therefore, it has been classified as a Variant of Uncertain Significance.